The following is an entry in ClinVar:

NM_015192.4(PLCB1):c.2377A>G (p.Ile793Val)

Gene: PLCB1 (phospholipase C beta 1; plus strand). Cytogenetic location: 20p12.3.
Variant type: single nucleotide variant.
Coding change: c.2377A>G on transcript NM_015192.4 (MANE Select); coding-DNA position 2377, A replaced by G.
Protein change: p.Ile793Val; replaces isoleucine 793 with valine.
Molecular consequence: missense variant.
Genome position (GRCh38, 1-based): chr20:8,740,412, A>G. VCF-style: chr20-8740412-A-G. GRCh37 (hg19) VCF-style: chr20-8721059-A-G.
Other names: c.2377A>G, p.Ile793Val (NM_182734.3); short protein forms I793V.
Identifiers: ClinVar variation 1018125 (VCV001018125.6), dbSNP rs1980815338, ClinGen allele CA408208113.

ClinVar aggregate classification (germline): Uncertain significance (1 of 4 stars; one submission).

Conditions:
Developmental and epileptic encephalopathy, 12 (DEE12). Identifiers: MedGen C3150988, MONDO:0013389, OMIM 613722.

Allele frequency attached by ClinVar (database versions not stated): gnomAD exomes below 0.00001.
gnomAD v4.1: 1 of 1,603,344 alleles (0.000062%); highest among the groups gnomAD compares: Non-Finnish European, 0.000085%; no homozygotes.

Submission:

Labcorp Genetics (formerly Invitae), Labcorp
Classification: Uncertain significance for Developmental and epileptic encephalopathy, 12. Last evaluated: 2021-09-01. Review status: criteria provided, single submitter. Criteria: Invitae Variant Classification Sherloc (09022015). Collection method: clinical testing. Allele origin: germline.
Comment: This sequence change replaces isoleucine with valine at codon 793 of the PLCB1 protein (p.Ile793Val). The isoleucine residue is moderately conserved and there is a small physicochemical difference between isoleucine and valine. This variant is not present in population databases (ExAC no frequency). This variant has not been reported in the literature in individuals affected with PLCB1-related conditions. Algorithms developed to predict the effect of missense changes on protein structure and function (SIFT, PolyPhen-2, Align-GVGD) all suggest that this variant is likely to be tolerated. In summary, the available evidence is currently insufficient to determine the role of this variant in disease. Therefore, it has been classified as a Variant of Uncertain Significance.